The following is an entry in ClinVar:

ClinVar aggregate classification (germline): Pathogenic (1 of 4 stars; one submission).

Conditions:
Hereditary breast ovarian cancer syndrome. Also called: Hereditary breast and/or ovarian cancer syndrome; Breast and ovarian cancer; Hereditary breast and ovarian cancer; Hereditary breast and ovarian cancer syndrome; Hereditary breast and ovarian cancer syndrome (HBOC); BRCA1- and BRCA2-Associated Hereditary Breast and Ovarian Cancer. Identifiers: Orphanet 145, MedGen C0677776, MeSH D061325, MONDO:0003582. Disease mechanism: loss of function.

Submission:

Labcorp Genetics (formerly Invitae), Labcorp
Classification: Pathogenic for Hereditary breast ovarian cancer syndrome. Last evaluated: 2025-10-07. Review status: criteria provided, single submitter. Criteria: Invitae Variant Classification Sherloc (09022015). Collection method: clinical testing. Allele origin: germline.
Comment: This sequence change creates a premature translational stop signal (p.Cys64Leufs*2) in the BRCA1 gene. It is expected to result in an absent or disrupted protein product. Loss-of-function variants in BRCA1 are known to be pathogenic (PMID: 20104584). This variant is not present in population databases (gnomAD no frequency). This premature translational stop signal has been observed in individual(s) with pancreatic cancer (PMID: 37234870). Algorithms developed to predict the effect of sequence changes on RNA splicing suggest that this variant may create or strengthen a splice site. For these reasons, this variant has been classified as Pathogenic.

Literature cited by the submitters: PubMed 20104584; PubMed 37234870.

NM_007294.4(BRCA1):c.190dup (p.Cys64fs)

Gene: BRCA1 (BRCA1 DNA repair associated; minus strand). Cytogenetic location: 17q21.31.
Variant type: Duplication.
Coding change: c.190dup on transcript NM_007294.4 (MANE Select); coding-DNA position 190, one base duplicated (T; older notation c.190dupT).
Protein change: p.Cys64fs; shifts the reading frame from cysteine 64.
Molecular consequence: frameshift variant. On other transcripts: initiator codon variant (61), intron variant (34).
Genome position (GRCh38, 1-based): chr17:43,106,478, A duplicated on the plus strand (T on the coding strand, the reverse complement: BRCA1 is on the minus strand). VCF-style (leftmost placement, unchanged base first): chr17-43106477-C-CA. GRCh37 (hg19) VCF-style: chr17-41258494-C-CA.
Other names: c.190dup, p.Cys64fs (NM_001407602.1, NM_001407603.1, NM_001407605.1 and 167 more transcripts); c.49dup, p.Cys17fs (NM_001407692.1, NM_001407694.1, NM_001407695.1 and 99 more transcripts); c.2dup, p.Met1fs (NM_001407853.1, NM_001407879.1, NM_001407881.1 and 58 more transcripts); c.-218-11618dup (NM_001407967.1, NM_001407966.1); c.-169-1522dup (NM_001407959.1, NM_001407962.1, NM_001408512.1 and 4 more transcripts); c.81-1522dup (NM_001408451.1); c.135-1522dup (NM_001408475.1, NM_001407875.1, NM_001407659.1 and 21 more transcripts); short protein forms C17fs, C64fs, M1fs.
Identifiers: ClinVar variation 4810288 (VCV004810288.1).